The following is an entry in ClinVar:

NM_001085411.3(NADK2):c.803A>G (p.Gln268Arg)

Gene: NADK2 (NAD kinase 2, mitochondrial; minus strand). Cytogenetic location: 5p13.2.
Variant type: single nucleotide variant.
Coding change: c.803A>G on transcript NM_001085411.3 (MANE Select); coding-DNA position 803, A replaced by G.
Protein change: p.Gln268Arg; replaces glutamine 268 with arginine.
Molecular consequence: missense variant.
Genome position (GRCh38, 1-based): chr5:36,211,901, T>C on the plus strand (A>G on the coding strand, the complement: NADK2 is on the minus strand). VCF-style: chr5-36211901-T-C. GRCh37 (hg19) VCF-style: chr5-36212003-T-C.
Other names: c.803A>G (NM_001085411.1); c.314A>G, p.Gln105Arg (NM_001287340.2, NM_001287341.2, NM_153013.5); short protein forms Q105R, Q268R.
Identifiers: ClinVar variation 1439436 (VCV001439436.7), dbSNP rs749987631, ClinGen allele CA3234601.

ClinVar aggregate classification (germline): Uncertain significance. Review status: criteria provided, multiple submitters, no conflicts (2 of 4 stars). 2 submissions from 2 submitters: Uncertain significance (2). Last evaluated 2025-06-23.

Conditions:
Inborn genetic diseases. Identifiers: MedGen C0950123, MeSH D030342.
Progressive encephalopathy with leukodystrophy due to DECR deficiency. Identifiers: Orphanet 431361, MedGen C1857252, MONDO:0014464, OMIM 616034.

Allele frequency attached by ClinVar (database versions not stated): gnomAD exomes below 0.00001 and 0.00001; ExAC 0.00001; gnomAD 0.00001; TOPMed 0.00003.
gnomAD v4.1: 6 of 1,613,636 alleles (0.00037%); highest among the groups gnomAD compares: South Asian, 0.0022%; no homozygotes.

Submissions (2):

Labcorp Genetics (formerly Invitae), Labcorp
Classification: Uncertain significance for Progressive encephalopathy with leukodystrophy due to DECR deficiency. Last evaluated: 2025-06-23. Review status: criteria provided, single submitter. Criteria: Invitae Variant Classification Sherloc (09022015). Collection method: clinical testing. Allele origin: germline.
Comment: This sequence change replaces glutamine, which is neutral and polar, with arginine, which is basic and polar, at codon 268 of the NADK2 protein (p.Gln268Arg). This variant is present in population databases (rs749987631, gnomAD 0.007%). This variant has not been reported in the literature in individuals affected with NADK2-related conditions. ClinVar contains an entry for this variant (Variation ID: 1439436). Invitae Evidence Modeling of protein sequence and biophysical properties (such as structural, functional, and spatial information, amino acid conservation, physicochemical variation, residue mobility, and thermodynamic stability) indicates that this missense variant is not expected to disrupt NADK2 protein function with a negative predictive value of 80%. In summary, the available evidence is currently insufficient to determine the role of this variant in disease. Therefore, it has been classified as a Variant of Uncertain Significance.

Ambry Genetics
Classification: Uncertain significance for Inborn genetic diseases. Last evaluated: 2024-01-23. Review status: criteria provided, single submitter. Criteria: Ambry Variant Classification Scheme 2023. Collection method: clinical testing. Allele origin: germline.